The following is an entry in ClinVar:

ClinVar aggregate classification (germline): Benign (1 of 4 stars; one submission).

Allele frequency attached by ClinVar (database versions not stated): 1000 Genomes Project 0.94848; TOPMed 0.95166; gnomAD 0.95598 and 0.95815.
gnomAD v4.1: 145,893 of 152,200 alleles (96%); highest among the groups gnomAD compares: Non-Finnish European, 100%; 70,205 homozygotes.

Submission:

GeneDx
Classification: Benign. Last evaluated: 2018-06-14. Review status: criteria provided, single submitter. Criteria: GeneDx Variant Classification (06012015). Collection method: clinical testing. Allele origin: germline. Affected: yes.
Comment: This variant is considered likely benign or benign based on one or more of the following criteria: it is a conservative change, it occurs at a poorly conserved position in the protein, it is predicted to be benign by multiple in silico algorithms, and/or has population frequency not consistent with disease.

NM_000023.4(SGCA):c.983+240A>T

Gene: SGCA (sarcoglycan alpha; plus strand). Cytogenetic location: 17q21.33.
Variant type: single nucleotide variant.
Coding change: c.983+240A>T on transcript NM_000023.4 (MANE Select); 240 bases into the intron after coding-DNA position 983, A replaced by T.
Molecular consequence: intron variant.
Genome position (GRCh38, 1-based): chr17:50,170,906, A>T. VCF-style: chr17-50170906-A-T. GRCh37 (hg19) VCF-style: chr17-48248267-A-T.
Other names: c.611+240A>T (NM_001135697.3).
Identifiers: ClinVar variation 669842 (VCV000669842.1), dbSNP rs2696294, ClinGen allele CA291537292.